The following is an entry in ClinVar:

ClinVar aggregate classification (germline): Uncertain significance (1 of 4 stars; one submission).

gnomAD v4.1: 1 of 1,613,622 alleles (0.000062%); highest among the groups gnomAD compares: South Asian, 0.0011%; no homozygotes.

Submission:

Labcorp Genetics (formerly Invitae), Labcorp
Classification: Uncertain significance. Last evaluated: 2023-10-13. Review status: criteria provided, single submitter. Criteria: Invitae Variant Classification Sherloc (09022015). Collection method: clinical testing. Allele origin: germline.
Comment: This sequence change replaces proline, which is neutral and non-polar, with threonine, which is neutral and polar, at codon 3546 of the ADGRV1 protein (p.Pro3546Thr). This variant is not present in population databases (gnomAD no frequency). This variant has not been reported in the literature in individuals affected with ADGRV1-related conditions. ClinVar contains an entry for this variant (Variation ID: 2131459). Advanced modeling of protein sequence and biophysical properties (such as structural, functional, and spatial information, amino acid conservation, physicochemical variation, residue mobility, and thermodynamic stability) performed at Invitae indicates that this missense variant is not expected to disrupt ADGRV1 protein function. In summary, the available evidence is currently insufficient to determine the role of this variant in disease. Therefore, it has been classified as a Variant of Uncertain Significance.

NM_032119.4(ADGRV1):c.10636C>A (p.Pro3546Thr)

Gene: ADGRV1 (adhesion G protein-coupled receptor V1; plus strand). Cytogenetic location: 5q14.3.
Variant type: single nucleotide variant.
Coding change: c.10636C>A on transcript NM_032119.4 (MANE Select); coding-DNA position 10636, C replaced by A.
Protein change: p.Pro3546Thr; replaces proline 3546 with threonine.
Molecular consequence: missense variant. On other transcripts: non-coding transcript variant (1).
Genome position (GRCh38, 1-based): chr5:90,745,132, C>A. VCF-style: chr5-90745132-C-A. GRCh37 (hg19) VCF-style: chr5-90040949-C-A.
Other names: short protein forms P3546T.
Identifiers: ClinVar variation 2131459 (VCV002131459.4), dbSNP rs2531538595, ClinGen allele CA360407958.